The following is an entry in ClinVar:

ClinVar aggregate classification (germline): Uncertain significance (1 of 4 stars; one submission).

gnomAD v4.1: 1 of 1,614,156 alleles (0.000062%); no homozygotes.

Submission:

Labcorp Genetics (formerly Invitae), Labcorp
Classification: Uncertain significance. Last evaluated: 2025-01-20. Review status: criteria provided, single submitter. Criteria: Invitae Variant Classification Sherloc (09022015). Collection method: clinical testing. Allele origin: germline.
Comment: This sequence change replaces asparagine, which is neutral and polar, with threonine, which is neutral and polar, at codon 221 of the KLHL7 protein (p.Asn221Thr). This variant is not present in population databases (gnomAD no frequency). This variant has not been reported in the literature in individuals affected with KLHL7-related conditions. An algorithm developed to predict the effect of missense changes on protein structure and function (PolyPhen-2) suggests that this variant is likely to be tolerated. In summary, the available evidence is currently insufficient to determine the role of this variant in disease. Therefore, it has been classified as a Variant of Uncertain Significance.

NM_001031710.3(KLHL7):c.662A>C (p.Asn221Thr)

Gene: KLHL7 (kelch like family member 7; plus strand). Cytogenetic location: 7p15.3.
Variant type: single nucleotide variant.
Coding change: c.662A>C on transcript NM_001031710.3 (MANE Select); coding-DNA position 662, A replaced by C.
Protein change: p.Asn221Thr; replaces asparagine 221 with threonine.
Molecular consequence: missense variant. On other transcripts: non-coding transcript variant (1).
Genome position (GRCh38, 1-based): chr7:23,143,894, A>C. VCF-style: chr7-23143894-A-C. GRCh37 (hg19) VCF-style: chr7-23183513-A-C.
Other names: c.518A>C, p.Asn173Thr (NM_018846.5); short protein forms N221T, N173T.
Identifiers: ClinVar variation 3699480 (VCV003699480.2).